The following is an entry in ClinVar:

ClinVar aggregate classification (germline): Conflicting classifications of pathogenicity. Review status: criteria provided, conflicting classifications (1 of 4 stars). 3 submissions from 3 submitters: Likely pathogenic (1); Uncertain significance (2). Last evaluated 2025-05-23.

Conditions:
Muscular dystrophy-dystroglycanopathy (congenital with brain and eye anomalies), type A14. Also called: Congenital muscular dystrophy-dystroglycanopathy with brain and eye anomalies, type A14; WALKER-WARBURG SYNDROME OR MUSCLE-EYE-BRAIN DISEASE, GMPPB-RELATED; Muscular dystrophy-dystroglycanopathy (congenital with brain and eye anomalies), type a, 14; Congenital Muscular Dystrophy-Dystroglycanopathy with Brain and Eye Anomalies Type A 14. Identifiers: Orphanet 588, MedGen C3809216, MONDO:0014140, OMIM 615350.
Muscular dystrophy-dystroglycanopathy (congenital with impaired intellectual development), type B, 14. Also called: Congenital muscular dystrophy-dystroglycanopathy with mental retardation, type B14; MUSCULAR DYSTROPHY, CONGENITAL, GMPPB-RELATED; Muscular dystrophy-dystroglycanopathy (congenital with intellectual disability), type B14. Identifiers: MedGen C3809221, MONDO:0014141, OMIM 615351.
Autosomal recessive limb-girdle muscular dystrophy type 2T. Also called: Limb-girdle muscular dystrophy-dystroglycanopathy, type C14; MUSCULAR DYSTROPHY-DYSTROGLYCANOPATHY, LIMB-GIRDLE, GMPPB-RELATED; MUSCULAR DYSTROPHY, LIMB-GIRDLE, TYPE 2T; Muscular dystrophy-dystroglycanopathy (limb-girdle), type c, 14. Identifiers: Orphanet 363623, MedGen C4518000, MONDO:0014142, OMIM 615352.

Allele frequency attached by ClinVar (database versions not stated): TOPMed 0.00001; gnomAD exomes 0.00002 and 0.00003; ExAC below 0.00001; gnomAD 0.00002.

Submissions (3):

3billion
Classification: Uncertain significance for Autosomal recessive limb-girdle muscular dystrophy type 2T. Last evaluated: 2025-05-23. Review status: criteria provided, single submitter. Criteria: ACMG Guidelines, 2015. Collection method: clinical testing. Allele origin: germline. Affected: yes.
Comment: The variant is observed at an extremely low frequency in the gnomAD v4.1.0 dataset (total allele frequency: <0.001%). Predicted Consequence/Location: Missense variant In silico tool predictions suggest damaging effect of the variant on gene or gene product [3Cnet: 0.85 (> 0.75, sensitivity 0.96 and precision 0.92)]. A different missense change at the same codon (p.Glu281Gln) has been reported to be associated with GMPPB-related disorder (PMID: 29437916). Therefore, this variant is classified as VUS according to the recommendation of ACMG/AMP guideline.

GeneDx
Classification: Likely pathogenic. Last evaluated: 2023-08-22. Review status: criteria provided, single submitter. Criteria: GeneDx Variant Classification Process June 2021. Collection method: clinical testing. Allele origin: germline. Affected: yes.
Comment: Not observed at significant frequency in large population cohorts (gnomAD); In silico analysis supports that this missense variant has a deleterious effect on protein structure/function; This variant is associated with the following publications: (PMID: 36833299, 30684953, 30257713, 29437916)

Labcorp Genetics (formerly Invitae), Labcorp
Classification: Uncertain significance for Autosomal recessive limb-girdle muscular dystrophy type 2T; Muscular dystrophy-dystroglycanopathy (congenital with brain and eye anomalies), type A14; Muscular dystrophy-dystroglycanopathy (congenital with impaired intellectual development), type B, 14. Last evaluated: 2022-10-12. Review status: criteria provided, single submitter. Criteria: Invitae Variant Classification Sherloc (09022015). Collection method: clinical testing. Allele origin: germline.
Comment: This sequence change replaces arginine, which is basic and polar, with tryptophan, which is neutral and slightly polar, at codon 243 of the GMPPB protein (p.Arg243Trp). This variant is present in population databases (rs771028755, gnomAD 0.006%). This missense change has been observed in individual(s) with clinical features of limb-girdle muscular dystrophy (PMID: 29437916; Invitae). ClinVar contains an entry for this variant (Variation ID: 835761). Advanced modeling of protein sequence and biophysical properties (such as structural, functional, and spatial information, amino acid conservation, physicochemical variation, residue mobility, and thermodynamic stability) performed at Invitae indicates that this missense variant is not expected to disrupt GMPPB protein function. In summary, the available evidence is currently insufficient to determine the role of this variant in disease. Therefore, it has been classified as a Variant of Uncertain Significance.

Literature cited by the submitters: PubMed 29437916 (cited by 3billion and Labcorp Genetics (formerly Invitae), Labcorp).

NM_021971.4(GMPPB):c.727C>T (p.Arg243Trp)

Gene: GMPPB (GDP-mannose pyrophosphorylase B; minus strand). Cytogenetic location: 3p21.31.
Variant type: single nucleotide variant.
Coding change: c.727C>T on transcript NM_021971.4 (MANE Select); coding-DNA position 727, C replaced by T.
Protein change: p.Arg243Trp; replaces arginine 243 with tryptophan.
Molecular consequence: missense variant.
Genome position (GRCh38, 1-based): chr3:49,722,272, G>A on the plus strand (C>T on the coding strand, the complement: GMPPB is on the minus strand). VCF-style: chr3-49722272-G-A. GRCh37 (hg19) VCF-style: chr3-49759705-G-A.
Other names: c.727C>T, p.Arg243Trp (NM_013334.4); short protein forms R243W.
Identifiers: ClinVar variation 835761 (VCV000835761.7), dbSNP rs771028755, ClinGen allele CA2405465.
Genomic context (GRCh38, chr3:49,722,272, plus strand): 5'-GGCTGGGCAAGGGCCTCACCACCAGCACGTTGCCCACAATGCCAGGGCCTGAGCACAGCC[G>A]CTCAGGCTGCTTCTGCCTCAGTGACTGCAGGAAGAGGCACATGCCAGTGAGGAAGTCCTT-3'
Protein context (NP_068806.2, residues 233-253): LQSLRQKQPE[Arg243Trp]LCSGPGIVGN